The following is an entry in ClinVar:

NM_198904.4(GABRG2):c.631+1248A>G

Gene: GABRG2 (gamma-aminobutyric acid type A receptor subunit gamma2; plus strand). Cytogenetic location: 5q34.
Variant type: single nucleotide variant.
Coding change: c.631+1248A>G on transcript NM_198904.4 (MANE Select); 1248 bases into the intron after coding-DNA position 631, A replaced by G.
Molecular consequence: intron variant. On other transcripts: missense variant (2).
Genome position (GRCh38, 1-based): chr5:162,102,565, A>G. VCF-style: chr5-162102565-A-G. GRCh37 (hg19) VCF-style: chr5-161529571-A-G.
Other names: c.643A>G, p.Ile215Val (NM_001375343.1, NM_198903.2); c.346+1248A>G (NM_001375349.1); c.631+1248A>G (NM_001375344.1, NM_001375340.1, NM_001375341.1 and 2 more transcripts); c.211+1248A>G (NM_001375350.1, NM_001375348.1); c.622+1248A>G (NM_001375339.1); c.565+1248A>G (NM_001375346.1, NM_001375345.1); c.544+1248A>G (NM_001375347.1); short protein forms I215V.
Identifiers: ClinVar variation 585903 (VCV000585903.7), dbSNP rs211035, ClinGen allele CA3544779.

ClinVar aggregate classification (germline): Benign. Review status: criteria provided, multiple submitters, no conflicts (2 of 4 stars). 6 submissions from 5 submitters: Benign (6). Last evaluated 2025-07-17.

Conditions:
Developmental and epileptic encephalopathy, 74. Also called: EPILEPTIC ENCEPHALOPATHY, EARLY INFANTILE, 74. Identifiers: MedGen C5193074, MONDO:0032725, OMIM 618396.
Febrile seizures, familial, 8 (FEB8). Also called: CONVULSIONS, FAMILIAL FEBRILE, 8. Identifiers: Orphanet 36387, MedGen C1969810, MONDO:0011891, OMIM 607681.
EPILEPSY, CHILDHOOD ABSENCE, SUSCEPTIBILITY TO, 2 (ECA2). Identifiers: Orphanet 64280, MedGen C1843244, OMIM 607681.

Allele frequency attached by ClinVar (database versions not stated): ExAC 0.82058; 1000 Genomes Project 0.82129; gnomAD 0.82237 and 0.82291; gnomAD exomes 0.82330; TOPMed 0.82409; 1000 Genomes Project 30x 0.82558.
gnomAD v4.1: 370,829 of 454,032 alleles (82%); highest among the groups gnomAD compares: Admixed American, 88%; 151,858 homozygotes.

Submissions (6):

Labcorp Genetics (formerly Invitae), Labcorp
Classification: Benign for Febrile seizures, familial, 8; EPILEPSY, CHILDHOOD ABSENCE, SUSCEPTIBILITY TO, 2. Last evaluated: 2025-07-17. Review status: criteria provided, single submitter. Criteria: Invitae Variant Classification Sherloc (09022015). Collection method: clinical testing. Allele origin: germline.

Unidad de Genómica Garrahan, Hospital de Pediatría Garrahan
Classification: Benign. Last evaluated: 2024-07-15. Review status: criteria provided, single submitter. Criteria: ACMG Guidelines, 2015. Collection method: clinical testing. Allele origin: germline. Affected: no. Observed: 83 variant alleles.
Comment: This variant is classified as Benign based on local population frequency. This variant was detected in 89% of patients studied in a panel designed for Epileptic and Developmental Encephalopathy and Progressive Myoclonus Epilepsy. Number of patients: 83. Only high quality variants are reported.

Genome-Nilou Lab
Classification: Benign for Developmental and epileptic encephalopathy, 74. Last evaluated: 2021-08-10. Review status: criteria provided, single submitter. Criteria: ACMG Guidelines, 2015. Collection method: clinical testing. Allele origin: germline. Affected: no.

Genome-Nilou Lab
Classification: Benign for Febrile seizures, familial, 8. Last evaluated: 2021-08-10. Review status: criteria provided, single submitter. Criteria: ACMG Guidelines, 2015. Collection method: clinical testing. Allele origin: germline. Affected: no.

Athena Diagnostics
Classification: Benign. Last evaluated: 2018-04-19. Review status: criteria provided, single submitter. Criteria: Athena Diagnostics Criteria. Collection method: clinical testing. Allele origin: germline.

GeneDx
Classification: Benign. Last evaluated: 2015-03-03. Review status: criteria provided, single submitter. Criteria: GeneDx Variant Classification Process June 2021. Collection method: clinical testing. Allele origin: germline. Affected: yes.